The following is an entry in ClinVar:

ClinVar aggregate classification (germline): Uncertain significance (1 of 4 stars; one submission).

Submission:

Labcorp Genetics (formerly Invitae), Labcorp
Classification: Uncertain significance. Last evaluated: 2025-07-27. Review status: criteria provided, single submitter. Criteria: Invitae Variant Classification Sherloc (09022015). Collection method: clinical testing. Allele origin: germline.
Comment: This sequence change replaces aspartic acid, which is acidic and polar, with tyrosine, which is neutral and polar, at codon 384 of the TNFRSF11A protein (p.Asp384Tyr). This variant is not present in population databases (gnomAD no frequency). This variant has not been reported in the literature in individuals affected with TNFRSF11A-related conditions. An algorithm developed to predict the effect of missense changes on protein structure and function (PolyPhen-2) suggests that this variant is likely to be disruptive. In summary, the available evidence is currently insufficient to determine the role of this variant in disease. Therefore, it has been classified as a Variant of Uncertain Significance.

NM_003839.4(TNFRSF11A):c.1150G>T (p.Asp384Tyr)

Gene: TNFRSF11A (TNF receptor superfamily member 11a; plus strand). Cytogenetic location: 18q21.33.
Variant type: single nucleotide variant.
Coding change: c.1150G>T on transcript NM_003839.4 (MANE Select); coding-DNA position 1150, G replaced by T.
Protein change: p.Asp384Tyr; replaces aspartic acid 384 with tyrosine.
Molecular consequence: missense variant. On other transcripts: intron variant (3).
Genome position (GRCh38, 1-based): chr18:62,369,067, G>T. VCF-style: chr18-62369067-G-T. GRCh37 (hg19) VCF-style: chr18-60036300-G-T.
Other names: c.1108G>T, p.Asp370Tyr (NM_001278268.2); c.783+2307G>T (NM_001270949.2); c.730+7274G>T (NM_001270950.2); c.616+9018G>T (NM_001270951.2); short protein forms D370Y, D384Y.
Identifiers: ClinVar variation 4724145 (VCV004724145.1).